The following is an entry in ClinVar:

ClinVar aggregate classification (germline): Benign/Likely benign. Review status: criteria provided, multiple submitters, no conflicts (2 of 4 stars). 8 submissions from 8 submitters: Benign (3); Likely benign (5). Last evaluated 2025-11-01.

Conditions:
ARID1A-related disorder. Also called: ARID1A-related condition.
Inborn genetic diseases. Identifiers: MedGen C0950123, MeSH D030342.
Skeletal dysplasia. Also called: Primary bone dysplasia. Identifiers: Orphanet 364526, MedGen C0410528, MONDO:0018230, HP:0002652.

Allele frequency attached by ClinVar (database versions not stated): ExAC 0.00021; gnomAD exomes 0.00021 and 0.00048; TOPMed 0.00026; gnomAD 0.00030 and 0.00032; ESP Exome Variant Server 0.00062.
gnomAD v4.1: 741 of 1,613,890 alleles (0.046%); highest among the groups gnomAD compares: Non-Finnish European, 0.06%; 1 homozygote.

Submissions (8):

CeGaT Center for Human Genetics Tuebingen
Classification: Likely benign. Last evaluated: 2025-11-01. Review status: criteria provided, single submitter. Criteria: CeGaT Center For Human Genetics Tuebingen Variant Classification Criteria Version 2. Collection method: clinical testing. Allele origin: germline. Affected: yes. Observed: 2 variant alleles.
Comment: ARID1A: BS2

Labcorp Genetics (formerly Invitae), Labcorp
Classification: Benign. Last evaluated: 2025-10-26. Review status: criteria provided, single submitter. Criteria: Invitae Variant Classification Sherloc (09022015). Collection method: clinical testing. Allele origin: germline.

Laboratory of Genetics, Children's Clinical University Hospital Latvia
Classification: Likely benign. Last evaluated: 2025-02-16. Review status: criteria provided, single submitter. Criteria: ACMG Guidelines, 2015. Collection method: clinical testing. Allele origin: germline. Affected: yes.

PreventionGenetics, part of Exact Sciences
Classification: Likely benign for ARID1A-related condition. Last evaluated: 2024-11-21. Review status: criteria provided, single submitter. Criteria: ACMG Guidelines, 2015. Collection method: clinical testing. Allele origin: germline.
Comment: This variant is classified as likely benign based on ACMG/AMP sequence variant interpretation guidelines (Richards et al. 2015 PMID: 25741868, with internal and published modifications).

Blueprint Genetics
Classification: Likely benign. Last evaluated: 2024-10-21. Review status: criteria provided, single submitter. Criteria: ACMG Guidelines, 2015. Collection method: clinical testing. Allele origin: germline.

Ambry Genetics
Classification: Likely benign for Inborn genetic diseases. Last evaluated: 2021-10-21. Review status: criteria provided, single submitter. Criteria: Ambry Variant Classification Scheme 2023. Collection method: clinical testing. Allele origin: germline.

GeneDx
Classification: Benign. Last evaluated: 2020-10-21. Review status: criteria provided, single submitter. Criteria: GeneDx Variant Classification Process June 2021. Collection method: clinical testing. Allele origin: germline. Affected: yes.
Comment: This variant is associated with the following publications: (PMID: 28767289)

Cambridge Genomics Laboratory, East Genomic Laboratory Hub, NHS Genomic Medicine Service
Classification: Benign for Skeletal dysplasia. Last evaluated: 2019-10-24. Review status: criteria provided, single submitter. Criteria: ACGS Best Practice Guidelines for Variant Classification in Rare Disease 2020. Collection method: clinical testing. Allele origin: germline. Affected: yes. Observed: 1 variant allele.

NM_006015.6(ARID1A):c.2074A>G (p.Ile692Val)

Gene: ARID1A (AT-rich interaction domain 1A; plus strand). Cytogenetic location: 1p36.11.
Variant type: single nucleotide variant.
Coding change: c.2074A>G on transcript NM_006015.6 (MANE Select); coding-DNA position 2074, A replaced by G.
Protein change: p.Ile692Val; replaces isoleucine 692 with valine.
Molecular consequence: missense variant.
Genome position (GRCh38, 1-based): chr1:26,761,009, A>G. VCF-style: chr1-26761009-A-G. GRCh37 (hg19) VCF-style: chr1-27087500-A-G.
Other names: c.2074A>G, p.Ile692Val (NM_139135.4); short protein forms I692V.
Identifiers: ClinVar variation 1261342 (VCV001261342.27), dbSNP rs146402512, ClinGen allele CA706900.